The following is an entry in ClinVar:

NM_000238.4(KCNH2):c.1417A>C (p.Thr473Pro)

Gene: KCNH2 (potassium voltage-gated channel subfamily H member 2; minus strand). Cytogenetic location: 7q36.1.
Variant type: single nucleotide variant.
Coding change: c.1417A>C on transcript NM_000238.4 (MANE Select); coding-DNA position 1417, A replaced by C.
Protein change: p.Thr473Pro; replaces threonine 473 with proline.
Molecular consequence: missense variant.
Genome position (GRCh38, 1-based): chr7:150,952,565, T>G on the plus strand (A>C on the coding strand, the complement: KCNH2 is on the minus strand). VCF-style: chr7-150952565-T-G. GRCh37 (hg19) VCF-style: chr7-150649653-T-G.
Other names: c.1417A>C (LRG_288t1); c.397A>C, p.Thr133Pro (NM_001204798.2, NM_172057.3); c.1129A>C, p.Thr377Pro (NM_001406753.1, NM_001406756.1); c.1240A>C, p.Thr414Pro (NM_001406755.1); c.1117A>C, p.Thr373Pro (NM_001406757.1); c.1417A>C, p.Thr473Pro (NM_172056.3); short protein forms T133P, T473P, T373P, T377P, T414P.
Identifiers: ClinVar variation 67196 (VCV000067196.8), dbSNP rs199473512, ClinGen allele CA004596.
Genomic context (GRCh38, chr7:150,952,565, plus strand): 5'-AGTGGACGGCGATGCGGCCGGGGTGGCTGACCACCTCCTCGTTGGCATTGACGTAGGTGG[T>G]GCGGAAGTTGATGAGGATGTCCACAATGAACATGATGTCCACGATGAGGTCCACCACAGC-3'
Protein context (NP_000229.1, residues 463-483): FIVDILINFR[Thr473Pro]TYVNANEEVV

ClinVar aggregate classification (germline): Conflicting classifications of pathogenicity. Review status: criteria provided, conflicting classifications (1 of 4 stars). 3 submissions from 3 submitters: Pathogenic (1); Uncertain significance (1). 1 of the submissions does not count toward it. Last evaluated 2023-12-14.

Conditions:
KCNH2-related disorder. Also called: KCNH2-related disorders; KCNH2-related condition.
Familial long QT syndrome (RWS). Also called: Congenital long QT syndrome; Romano-Ward syndrome; VENTRICULAR FIBRILLATION WITH PROLONGED QT INTERVAL. Identifiers: Orphanet 768, MedGen C1141890, MONDO:0019171.
Long QT syndrome (LQTS). Identifiers: MedGen C0023976, MeSH D008133, MONDO:0002442. Disease mechanism: loss of function. Inheritance: Various modes of inheritance.

Submissions (3):

Labcorp Genetics (formerly Invitae), Labcorp
Classification: Uncertain significance for Long QT syndrome. Last evaluated: 2023-12-14. Review status: criteria provided, single submitter. Criteria: Invitae Variant Classification Sherloc (09022015). Collection method: clinical testing. Allele origin: germline.
Comment: This sequence change replaces threonine, which is neutral and polar, with proline, which is neutral and non-polar, at codon 473 of the KCNH2 protein (p.Thr473Pro). This variant is not present in population databases (gnomAD no frequency). This missense change has been observed in individual(s) with long QT syndrome (PMID: 23010577). ClinVar contains an entry for this variant (Variation ID: 67196). An algorithm developed to predict the effect of missense changes on protein structure and function (PolyPhen-2) suggests that this variant is likely to be disruptive. Experimental studies have shown that this missense change affects KCNH2 function (PMID: 23010577). In summary, the available evidence is currently insufficient to determine the role of this variant in disease. Therefore, it has been classified as a Variant of Uncertain Significance.

Blueprint Genetics
Classification: Pathogenic for KCNH2-related disorders. Last evaluated: 2019-08-15. Review status: criteria provided, single submitter. Criteria: ACMG Guidelines, 2015. Collection method: clinical testing. Allele origin: germline. Affected: yes. Observed: 2 variant alleles.

Cardiovascular Biomedical Research Unit, Royal Brompton & Harefield NHS Foundation Trust
No classification provided. Condition: Familial long QT syndrome. Review status: no classification provided. Collection method: literature only. Allele origin: germline. Not counted in ClinVar's aggregate classification.
Comment: This variant has been reported as associated with Long QT syndrome in the following publications (PMID:20541041). This is a literature report, and does not necessarily reflect the clinical interpretation of the Imperial College / Royal Brompton Cardiovascular Genetics laboratory.

Literature cited by the submitters: PubMed 23010577 (cited by Labcorp Genetics (formerly Invitae), Labcorp); PubMed 20541041 (cited by Cardiovascular Biomedical Research Unit, Royal Brompton & Harefield NHS Foundation Trust); PubMed 22581653 (cited by Cardiovascular Biomedical Research Unit, Royal Brompton & Harefield NHS Foundation Trust).